The following is an entry in ClinVar:

NM_020207.7(ERCC6L2):c.-11C>T

Gene: ERCC6L2 (ERCC excision repair 6 like 2; plus strand). Cytogenetic location: 9q22.32.
Variant type: single nucleotide variant.
Coding change: c.-11C>T on transcript NM_020207.7 (MANE Select); 11 bases upstream of the start codon, C replaced by T.
Molecular consequence: 5 prime UTR variant. On other transcripts: non-coding transcript variant (1).
Genome position (GRCh38, 1-based): chr9:95,876,028, C>T. VCF-style: chr9-95876028-C-T. GRCh37 (hg19) VCF-style: chr9-98638310-C-T.
Other names: c.-11C>T (NM_001010895.4, NM_001375291.1, NM_001375292.1 and 2 more transcripts).
Identifiers: ClinVar variation 4737803 (VCV004737803.1).

ClinVar aggregate classification (germline): Uncertain significance (1 of 4 stars; one submission).

gnomAD v4.1: 1 of 1,587,674 alleles (0.000063%); highest among the groups gnomAD compares: Non-Finnish European, 0.000086%; no homozygotes.

Submission:

Labcorp Genetics (formerly Invitae), Labcorp
Classification: Uncertain significance. Last evaluated: 2025-09-01. Review status: criteria provided, single submitter. Criteria: Invitae Variant Classification Sherloc (09022015). Collection method: clinical testing. Allele origin: germline.
Comment: This sequence change replaces proline, which is neutral and non-polar, with leucine, which is neutral and non-polar, at codon 8 of the ERCC6L2 protein (p.Pro8Leu). This variant is not present in population databases (gnomAD no frequency). This variant has not been reported in the literature in individuals affected with ERCC6L2-related conditions. Experimental studies and prediction algorithms are not available or were not evaluated, and the functional significance of this variant is currently unknown. In summary, the available evidence is currently insufficient to determine the role of this variant in disease. Therefore, it has been classified as a Variant of Uncertain Significance.